The following is an entry in ClinVar:

NM_004380.3(CREBBP):c.6520A>G (p.Met2174Val)

Gene: CREBBP (CREB binding lysine acetyltransferase; minus strand). Cytogenetic location: 16p13.3.
Variant type: single nucleotide variant.
Coding change: c.6520A>G on transcript NM_004380.3 (MANE Select); coding-DNA position 6520, A replaced by G.
Protein change: p.Met2174Val; replaces methionine 2174 with valine.
Molecular consequence: missense variant.
Genome position (GRCh38, 1-based): chr16:3,728,527, T>C on the plus strand (A>G on the coding strand, the complement: CREBBP is on the minus strand). VCF-style: chr16-3728527-T-C. GRCh37 (hg19) VCF-style: chr16-3778528-T-C.
Other names: c.6406A>G, p.Met2136Val (NM_001079846.1); short protein forms M2174V, M2136V.
Identifiers: ClinVar variation 3836279 (VCV003836279.2).
Genomic context (GRCh38, chr16:3,728,527, plus strand): 5'-GTAACATTTCTCGGTACTGTGGATTCATACTCGCCATGTTGGGGTTGTGTCCTGGGTTCA[T>C]GATGTTCAAGGCCTGGCCCTGGGGGTTCAGGCCTCCCATCGCCTGCTGCTGTGGAGGCAC-3'
Protein context (NP_004371.2, residues 2164-2184): LNPQGQALNI[Met2174Val]NPGHNPNMAS

ClinVar aggregate classification (germline): Uncertain significance. Review status: criteria provided, multiple submitters, no conflicts (2 of 4 stars). 2 submissions from 2 submitters: Uncertain significance (2). Last evaluated 2025-03-04.

Conditions:
CREBBP-related disorder. Also called: CREBBP-related condition; CREBBP-related disorders.
Inborn genetic diseases. Identifiers: MedGen C0950123, MeSH D030342.

gnomAD v4.1: 9 of 1,613,942 alleles (0.00056%); highest among the groups gnomAD compares: Non-Finnish European, 0.00068%; no homozygotes.

Submissions (2):

PreventionGenetics, part of Exact Sciences
Classification: Uncertain significance for CREBBP-related condition. Last evaluated: 2025-03-04. Review status: criteria provided, single submitter. Criteria: ACMG Guidelines, 2015. Collection method: clinical testing. Allele origin: germline.
Comment: The CREBBP c.6520A>G variant is predicted to result in the amino acid substitution p.Met2174Val. To our knowledge, this variant has not been reported in the literature. This variant is reported in 1 out of ~247,100 alleles in gnomAD. At this time, the clinical significance of this variant is uncertain due to the absence of conclusive functional and genetic evidence.

Ambry Genetics
Classification: Uncertain significance for Inborn genetic diseases. Last evaluated: 2025-01-02. Review status: criteria provided, single submitter. Criteria: Ambry Variant Classification Scheme 2023. Collection method: clinical testing. Allele origin: germline.